The following is an entry in ClinVar:

ClinVar aggregate classification (germline): Uncertain significance. Review status: criteria provided, multiple submitters, no conflicts (2 of 4 stars). 5 submissions from 4 submitters: Uncertain significance (4). 1 of the submissions does not count toward it. Last evaluated 2023-02-08.

Conditions:
Dilated cardiomyopathy 1L (CMD1L). Identifiers: Orphanet 154, MedGen C1847667, MONDO:0011702, OMIM 606685.
Autosomal recessive limb-girdle muscular dystrophy type 2F (LGMDR6). Also called: MUSCULAR DYSTROPHY, LIMB-GIRDLE, AUTOSOMAL RECESSIVE 6; Muscular dystrophy limb-girdle with delta-sarcoglyan deficiency. Identifiers: Orphanet 219, MedGen C1832525, MONDO:0011028, OMIM 601287. Disease mechanism: Affects gamma-sarcoglycan and also disrupts the integrity of the entire sarcoglycan complex..

Submissions (5):

Genome-Nilou Lab
Classification: Uncertain significance for Autosomal recessive limb-girdle muscular dystrophy type 2F. Last evaluated: 2023-02-08. Review status: criteria provided, single submitter. Criteria: ACMG Guidelines, 2015. Collection method: clinical testing. Allele origin: germline.

Genome-Nilou Lab
Classification: Uncertain significance for Dilated cardiomyopathy 1L. Last evaluated: 2023-02-08. Review status: criteria provided, single submitter. Criteria: ACMG Guidelines, 2015. Collection method: clinical testing. Allele origin: germline.

Labcorp Genetics (formerly Invitae), Labcorp
Classification: Uncertain significance for Autosomal recessive limb-girdle muscular dystrophy type 2F. Last evaluated: 2022-09-13. Review status: criteria provided, single submitter. Criteria: Invitae Variant Classification Sherloc (09022015). Collection method: clinical testing. Allele origin: germline.
Comment: This variant, c.775_777del, results in the deletion of 1 amino acid(s) of the SGCD protein (p.Lys259del), but otherwise preserves the integrity of the reading frame. This variant is present in population databases (no rsID available, gnomAD 0.0009%). This variant has not been reported in the literature in individuals affected with SGCD-related conditions. ClinVar contains an entry for this variant (Variation ID: 557718). Experimental studies and prediction algorithms are not available or were not evaluated, and the functional significance of this variant is currently unknown. Algorithms developed to predict the effect of sequence changes on RNA splicing suggest that this variant may disrupt the consensus splice site. In summary, the available evidence is currently insufficient to determine the role of this variant in disease. Therefore, it has been classified as a Variant of Uncertain Significance.

Breakthrough Genomics
Classification: Uncertain significance. Review status: criteria provided, single submitter. Criteria: ACMG Guidelines, 2015. Collection method: not provided. Allele origin: germline. Inheritance: Autosomal recessive inheritance. Affected: yes.

Counsyl
Classification: Uncertain significance for Dilated cardiomyopathy 1L; Autosomal recessive limb-girdle muscular dystrophy type 2F. Last evaluated: 2018-04-06. Review status: no assertion criteria provided. Collection method: clinical testing. Allele origin: unknown. Not counted in ClinVar's aggregate classification.

NM_000337.6(SGCD):c.775_777del (p.Lys259del)

Gene: SGCD (sarcoglycan delta; plus strand). Cytogenetic location: 5q33.3.
Variant type: Deletion.
Coding change: c.775_777del on transcript NM_000337.6 (MANE Select); coding-DNA positions 775 to 777, 3 bases deleted (AAG; older notation c.775_777delAAG).
Protein change: p.Lys259del; deletes lysine 259.
Molecular consequence: inframe deletion.
Genome position (GRCh38, 1-based): chr5:156,759,292-156,759,294, AAG deleted; deleting any 3 consecutive bases within chr5:156,759,290-156,759,294 gives the same sequence; the c. name uses the placement nearest the transcript's 3' end. VCF-style (leftmost placement, unchanged base first): chr5-156759289-CAGA-C. GRCh37 (hg19) VCF-style: chr5-156186300-CAGA-C.
Other names: c.775_777delAAG (NM_000337.5); c.772_774del, p.Lys258del (NM_001128209.2); short protein forms K259del, K258del.
Identifiers: ClinVar variation 557718 (VCV000557718.8), dbSNP rs1207864818, ClinGen allele CA563961396.